The following is an entry in ClinVar:

NM_001142864.4(PIEZO1):c.2858G>A (p.Arg953His)

Genes: HSALR1 (HSP90AB1 associated lncRNA 1; plus strand), PIEZO1 (piezo type mechanosensitive ion channel component 1 (Er blood group); minus strand). Cytogenetic location: 16q24.3.
Variant type: single nucleotide variant.
Coding change: c.2858G>A on transcript NM_001142864.4 (MANE Select); coding-DNA position 2858, G replaced by A.
Protein change: p.Arg953His; replaces arginine 953 with histidine.
Molecular consequence: missense variant.
Genome position (GRCh38, 1-based): chr16:88,732,468, C>T on the plus strand (G>A on the coding strand, the complement: PIEZO1 is on the minus strand). VCF-style: chr16-88732468-C-T. GRCh37 (hg19) VCF-style: chr16-88798876-C-T.
Other names: short protein forms R953H.
Identifiers: ClinVar variation 3775530 (VCV003775530.2).

ClinVar aggregate classification (germline): Uncertain significance. Review status: criteria provided, multiple submitters, no conflicts (2 of 4 stars). 2 submissions from 2 submitters: Uncertain significance (2). Last evaluated 2023-06-29.

Conditions:
Lymphatic malformation 6 (LMPHM6). Also called: GENERALIZED LYMPHATIC DYSPLASIA OF FOTIOU; Lymphedema, hereditary, III; PIEZO1-related generalized lymphatic dysplasia with non-immune hydrops fetalis. Identifiers: Orphanet 568062, MedGen C4225184, MONDO:0014797, OMIM 616843.

gnomAD v4.1: 56 of 1,549,346 alleles (0.0036%); highest among the groups gnomAD compares: East Asian, 0.088%; no homozygotes.

Submissions (2):

3billion
Classification: Uncertain significance for Lymphatic malformation 6. Last evaluated: 2023-06-29. Review status: criteria provided, single submitter. Criteria: ACMG Guidelines, 2015. Collection method: clinical testing. Allele origin: germline. Affected: yes.
Comment: The variant is observed at an extremely low frequency in the gnomAD v2.1.1 dataset (total allele frequency: 0.007%). Predicted Consequence/Location: Missense variant In silico tool predictions suggest damaging effect of the variant on gene or gene product (REVEL: 0.07; 3Cnet: 0.87). Same nucleotide change resulting in same amino acid change has been previously reported to be associated with PIEZO1 related disorder (PMID: 34371190). However, the evidence of pathogenicity is insufficient at this time. Therefore, this variant is classified as VUS according to the recommendation of ACMG/AMP guideline.

Blueprint Genetics
Classification: Uncertain significance. Last evaluated: 2023-06-23. Review status: criteria provided, single submitter. Criteria: ACMG Guidelines, 2015. Collection method: clinical testing. Allele origin: germline.

Literature cited by the submitters: PubMed 34371190 (cited by 3billion).